The following is an entry in ClinVar:

ClinVar aggregate classification (germline): Likely benign. Review status: criteria provided, multiple submitters, no conflicts (2 of 4 stars). 2 submissions from 2 submitters: Likely benign (2). Last evaluated 2025-09-10.

Conditions:
LAMA2-related muscular dystrophy (LAMA2-RD). Also called: Laminin alpha 2-related dystrophy. Identifiers: MedGen C5679788, MONDO:0100228.

Allele frequency attached by ClinVar (database versions not stated): TOPMed 0.00001.
gnomAD v4.1: 7 of 1,613,916 alleles (0.00043%); highest among the groups gnomAD compares: African/African-American, 0.0093%; no homozygotes.

Submissions (2):

Labcorp Genetics (formerly Invitae), Labcorp
Classification: Likely benign for LAMA2-related muscular dystrophy. Last evaluated: 2025-09-10. Review status: criteria provided, single submitter. Criteria: Invitae Variant Classification Sherloc (09022015). Collection method: clinical testing. Allele origin: germline.

GeneDx
Classification: Likely benign. Last evaluated: 2017-04-17. Review status: criteria provided, single submitter. Criteria: GeneDx Variant Classification (06012015). Collection method: clinical testing. Allele origin: germline. Affected: yes.
Comment: This variant is considered likely benign or benign based on one or more of the following criteria: it is a conservative change, it occurs at a poorly conserved position in the protein, it is predicted to be benign by multiple in silico algorithms, and/or has population frequency not consistent with disease.

NM_000426.4(LAMA2):c.9339C>A (p.Gly3113=)

Gene: LAMA2 (laminin subunit alpha 2; plus strand). Cytogenetic location: 6q22.33.
Variant type: single nucleotide variant.
Coding change: c.9339C>A on transcript NM_000426.4 (MANE Select); coding-DNA position 9339, C replaced by A.
Protein change: p.Gly3113=; no amino-acid change (glycine 3113 retained).
Molecular consequence: synonymous variant.
Genome position (GRCh38, 1-based): chr6:129,516,317, C>A. VCF-style: chr6-129516317-C-A. GRCh37 (hg19) VCF-style: chr6-129837462-C-A.
Other names: c.9327C>A, p.Gly3109= (NM_001079823.2).
Identifiers: ClinVar variation 508805 (VCV000508805.10), dbSNP rs182391310, ClinGen allele CA146928225.